The following is an entry in ClinVar:

NM_000124.4(ERCC6):c.3650T>G (p.Phe1217Cys)

Gene: ERCC6 (ERCC excision repair 6, chromatin remodeling factor; minus strand). Cytogenetic location: 10q11.23.
Variant type: single nucleotide variant.
Coding change: c.3650T>G on transcript NM_000124.4 (MANE Select); coding-DNA position 3650, T replaced by G.
Protein change: p.Phe1217Cys; replaces phenylalanine 1217 with cysteine.
Molecular consequence: missense variant.
Genome position (GRCh38, 1-based): chr10:49,470,310, A>C on the plus strand (T>G on the coding strand, the complement: ERCC6 is on the minus strand). VCF-style: chr10-49470310-A-C. GRCh37 (hg19) VCF-style: chr10-50678356-A-C.
Other names: c.3650T>G, p.Phe1217Cys (NM_001346440.2); short protein forms F1217C.
Identifiers: ClinVar variation 288967 (VCV000288967.68), dbSNP rs61760166, ClinGen allele CA5495307.

ClinVar aggregate classification (germline): Conflicting classifications of pathogenicity. Review status: criteria provided, conflicting classifications (1 of 4 stars). 8 submissions from 6 submitters: Uncertain significance (6); Likely benign (2). Last evaluated 2026-07-01.

Conditions:
Age related macular degeneration 5. Identifiers: MedGen C3151063, MONDO:0013409, OMIM 613761.
Cockayne syndrome type 2 (CSB). Also called: COCKAYNE SYNDROME B; Cockayne Syndrome, Type II. Identifiers: Orphanet 191, Orphanet 90322, MedGen C0751038, MONDO:0019570, OMIM 133540.
Cerebrooculofacioskeletal syndrome 1 (COFS1). Also called: Cerebro-oculo-facio-skeletal syndrome 1. Identifiers: MedGen C0220722, MONDO:0008955, OMIM 214150.

Allele frequency attached by ClinVar (database versions not stated): ExAC 0.00060; ESP Exome Variant Server 0.00069; gnomAD exomes 0.00073 and 0.00077; gnomAD 0.00082 and 0.00084; TOPMed 0.00091; 1000 Genomes Project 30x 0.00125; 1000 Genomes Project 0.00140.

Submissions (9):

CeGaT Center for Human Genetics Tuebingen
Classification: Likely benign. Last evaluated: 2026-07-01. Review status: criteria provided, single submitter. Criteria: CeGaT Center For Human Genetics Tuebingen Variant Classification Criteria Version 2. Collection method: clinical testing. Allele origin: germline. Affected: yes. Observed: 5 variant alleles.
Comment: ERCC6: BS2

Labcorp Genetics (formerly Invitae), Labcorp
Classification: Likely benign. Last evaluated: 2026-02-01. Review status: criteria provided, single submitter. Criteria: Invitae Variant Classification Sherloc (09022015). Collection method: clinical testing. Allele origin: germline.

GeneDx
Classification: Uncertain significance. Last evaluated: 2022-03-03. Review status: criteria provided, single submitter. Criteria: GeneDx Variant Classification Process June 2021. Collection method: clinical testing. Allele origin: germline. Affected: yes.
Comment: Identified in the heterozygous state in an individual with oropharyngeal cancer (Cury 2021); In silico analysis supports that this missense variant has a deleterious effect on protein structure/function; This variant is associated with the following publications: (PMID: 34598035, 35135151)

St. Jude Molecular Pathology, St. Jude Children's Research Hospital
Classification: Uncertain significance for Cockayne syndrome type 2. Last evaluated: 2021-03-17. Review status: criteria provided, single submitter. Criteria: St. Jude Assertion Criteria 2020. Collection method: clinical testing. Allele origin: germline.

Illumina Laboratory Services, Illumina
Classification: Uncertain significance for Age related macular degeneration 5. Last evaluated: 2018-01-13. Review status: criteria provided, single submitter. Criteria: ICSL Variant Classification Criteria 13 December 2019. Collection method: clinical testing. Allele origin: germline.

Illumina Laboratory Services, Illumina
Classification: Uncertain significance for Cerebrooculofacioskeletal syndrome 1. Last evaluated: 2018-01-13. Review status: criteria provided, single submitter. Criteria: ICSL Variant Classification Criteria 13 December 2019. Collection method: clinical testing. Allele origin: germline.

Illumina Laboratory Services, Illumina
Classification: Uncertain significance for Cockayne syndrome type 2. Last evaluated: 2018-01-13. Review status: criteria provided, single submitter. Criteria: ICSL Variant Classification Criteria 13 December 2019. Collection method: clinical testing. Allele origin: germline.

Eurofins Ntd Llc (ga)
Classification: Uncertain significance. Last evaluated: 2017-04-11. Review status: criteria provided, single submitter. Criteria: EGL Classification Definitions 2015. Collection method: clinical testing. Allele origin: germline. Observed: 2 variant alleles, 2 heterozygotes.

Dr. Peter K. Rogan Lab, Western University
No classification provided (evidence only). Condition: Malignant tumor of urinary bladder. Review status: no classification provided. Collection method: in vitro. Allele origin: not applicable. Functional consequence: retained intron. Not counted in ClinVar's aggregate classification.